The following is an entry in ClinVar:

ClinVar aggregate classification (germline): Uncertain significance (0 of 4 stars; one submission).

Conditions:
SYN1-related disorder. Also called: SYN1-related condition; SYN1-Related Disorders.

Submission:

PreventionGenetics, part of Exact Sciences
Classification: Uncertain significance for SYN1-related condition. Last evaluated: 2024-03-15. Review status: no assertion criteria provided. Collection method: clinical testing. Allele origin: germline.
Comment: The SYN1 c.1930G>A variant is predicted to result in the amino acid substitution p.Val644Met. To our knowledge, this variant has not been reported in the literature or in a large population database, indicating it is rare. At this time, the clinical significance of this variant is uncertain due to the absence of conclusive functional and genetic evidence.

NM_006950.3(SYN1):c.1930G>A (p.Val644Met)

Gene: SYN1 (synapsin I; minus strand). Cytogenetic location: Xp11.3.
Variant type: single nucleotide variant.
Coding change: c.1930G>A on transcript NM_006950.3 (MANE Select); coding-DNA position 1930, G replaced by A.
Protein change: p.Val644Met; replaces valine 644 with methionine.
Molecular consequence: missense variant.
Genome position (GRCh38, 1-based): chrX:47,574,054, C>T on the plus strand (G>A on the coding strand, the complement: SYN1 is on the minus strand). VCF-style: chrX-47574054-C-T. GRCh37 (hg19) VCF-style: chrX-47433453-C-T.
Other names: c.1930G>A, p.Val644Met (NM_133499.2); short protein forms V644M.
Identifiers: ClinVar variation 3044389 (VCV003044389.2), dbSNP rs1450465858, ClinGen allele CA412822109.